The following is an entry in ClinVar:

ClinVar aggregate classification (germline): Uncertain significance. Review status: criteria provided, multiple submitters, no conflicts (2 of 4 stars). 2 submissions from 2 submitters: Uncertain significance (2). Last evaluated 2023-07-08.

Conditions:
Charcot-Marie-Tooth disease type 2. Also called: Charcot-Marie-Tooth type 2. Identifiers: Orphanet 64746, MedGen C0270914, MONDO:0018993.

gnomAD v4.1: 1 of 1,614,068 alleles (0.000062%); highest among the groups gnomAD compares: Non-Finnish European, 0.000085%; no homozygotes.

Submissions (2):

Ambry Genetics
Classification: Uncertain significance. Last evaluated: 2023-07-08. Review status: criteria provided, single submitter. Criteria: Ambry Variant Classification Scheme 2023. Collection method: clinical testing. Allele origin: germline.
Comment: The p.R1036P variant (also known as c.3107G>C), located in coding exon 27 of the KIF1B gene, results from a G to C substitution at nucleotide position 3107. The arginine at codon 1036 is replaced by proline, an amino acid with dissimilar properties. This amino acid position is conserved. In addition, this alteration is predicted to be tolerated by in silico analysis. Since supporting evidence is limited at this time, the clinical significance of this alteration remains unclear.

Labcorp Genetics (formerly Invitae), Labcorp
Classification: Uncertain significance for Charcot-Marie-Tooth disease type 2. Last evaluated: 2022-09-20. Review status: criteria provided, single submitter. Criteria: Invitae Variant Classification Sherloc (09022015). Collection method: clinical testing. Allele origin: germline.
Comment: This variant has not been reported in the literature in individuals affected with KIF1B-related conditions. In summary, the available evidence is currently insufficient to determine the role of this variant in disease. Therefore, it has been classified as a Variant of Uncertain Significance. Algorithms developed to predict the effect of missense changes on protein structure and function are either unavailable or do not agree on the potential impact of this missense change (SIFT: "Deleterious"; PolyPhen-2: "Benign"; Align-GVGD: "Class C0"). This variant is not present in population databases (gnomAD no frequency). This sequence change replaces arginine, which is basic and polar, with proline, which is neutral and non-polar, at codon 1036 of the KIF1B protein (p.Arg1036Pro).

NM_001365951.3(KIF1B):c.3245G>C (p.Arg1082Pro)

Gene: KIF1B (kinesin family member 1B; plus strand). Cytogenetic location: 1p36.22.
Variant type: single nucleotide variant.
Coding change: c.3245G>C on transcript NM_001365951.3 (MANE Select); coding-DNA position 3245, G replaced by C.
Protein change: p.Arg1082Pro; replaces arginine 1082 with proline.
Molecular consequence: missense variant.
Genome position (GRCh38, 1-based): chr1:10,337,189, G>C. VCF-style: chr1-10337189-G-C. GRCh37 (hg19) VCF-style: chr1-10397247-G-C.
Other names: c.3245G>C, p.Arg1082Pro (NM_001365952.1); c.3107G>C, p.Arg1036Pro (NM_015074.3); short protein forms R1082P, R1036P.
Identifiers: ClinVar variation 2043294 (VCV002043294.6), dbSNP rs745363423, ClinGen allele CA338340078.